The following is an entry in ClinVar:

ClinVar aggregate classification (germline): Uncertain significance (1 of 4 stars; one submission).

Conditions:
Charcot-Marie-Tooth disease axonal type 2C (HMSN2C). Also called: Charcot-Marie-Tooth Disease Type 2, TRPV4-Related (CMT2C); CHARCOT-MARIE-TOOTH DISEASE, AXONAL, AUTOSOMAL DOMINANT, TYPE 2C; Charcot-Marie-Tooth Neuropathy Type 2C. Identifiers: Orphanet 99937, MedGen C1853710, MONDO:0011633, OMIM 606071.

Submission:

Labcorp Genetics (formerly Invitae), Labcorp
Classification: Uncertain significance for Charcot-Marie-Tooth disease axonal type 2C. Last evaluated: 2025-03-13. Review status: criteria provided, single submitter. Criteria: Invitae Variant Classification Sherloc (09022015). Collection method: clinical testing. Allele origin: germline.
Comment: This sequence change replaces phenylalanine, which is neutral and non-polar, with leucine, which is neutral and non-polar, at codon 466 of the TRPV4 protein (p.Phe466Leu). This variant is not present in population databases (gnomAD no frequency). This variant has not been reported in the literature in individuals affected with TRPV4-related conditions. Invitae Evidence Modeling of protein sequence and biophysical properties (such as structural, functional, and spatial information, amino acid conservation, physicochemical variation, residue mobility, and thermodynamic stability) indicates that this missense variant is not expected to disrupt TRPV4 protein function with a negative predictive value of 95%. In summary, the available evidence is currently insufficient to determine the role of this variant in disease. Therefore, it has been classified as a Variant of Uncertain Significance.

NM_021625.5(TRPV4):c.1398C>G (p.Phe466Leu)

Gene: TRPV4 (transient receptor potential cation channel subfamily V member 4; minus strand). Cytogenetic location: 12q24.11.
Variant type: single nucleotide variant.
Coding change: c.1398C>G on transcript NM_021625.5 (MANE Select); coding-DNA position 1398, C replaced by G.
Protein change: p.Phe466Leu; replaces phenylalanine 466 with leucine.
Molecular consequence: missense variant.
Genome position (GRCh38, 1-based): chr12:109,794,422, G>C on the plus strand (C>G on the coding strand, the complement: TRPV4 is on the minus strand). VCF-style: chr12-109794422-G-C. GRCh37 (hg19) VCF-style: chr12-110232227-G-C.
Other names: c.1257C>G, p.Phe419Leu (NM_001177428.2); c.1296C>G, p.Phe432Leu (NM_001177431.2); c.1077C>G, p.Phe359Leu (NM_001177433.2); c.1218C>G, p.Phe406Leu (NM_147204.3); short protein forms F359L, F406L, F419L, F432L, F466L.
Identifiers: ClinVar variation 4803072 (VCV004803072.1).